The following is an entry in ClinVar:

NM_003701.4(TNFSF11):c.*948G>T

Gene: TNFSF11 (TNF superfamily member 11; plus strand). Cytogenetic location: 13q14.11.
Variant type: single nucleotide variant.
Coding change: c.*948G>T on transcript NM_003701.4 (MANE Select); 948 bases downstream of the stop codon, G replaced by T.
Molecular consequence: 3 prime UTR variant.
Genome position (GRCh38, 1-based): chr13:42,607,866, G>T. VCF-style: chr13-42607866-G-T. GRCh37 (hg19) VCF-style: chr13-43182002-G-T.
Other names: NC_000013.10:g.43182002G>T; c.*948G>T (NM_033012.4).
Identifiers: ClinVar variation 312251 (VCV000312251.7), dbSNP rs1054016, ClinGen allele CA10634428.

ClinVar aggregate classification (germline): Benign. Review status: criteria provided, multiple submitters, no conflicts (2 of 4 stars). 2 submissions from 2 submitters: Benign (2). Last evaluated 2018-01-13.

Conditions:
Autosomal recessive osteopetrosis 2. Also called: OSTEOPETROSIS, MILD AUTOSOMAL RECESSIVE FORM. Identifiers: Orphanet 667, MedGen C1850126, MONDO:0009816, OMIM 259710.

Allele frequency attached by ClinVar (database versions not stated): 1000 Genomes Project 0.33287; TOPMed 0.34057; gnomAD 0.35209 and 0.35340; gnomAD exomes 0.41188.

Submissions (5):

Illumina Laboratory Services, Illumina
Classification: Benign for Autosomal recessive osteopetrosis 2. Last evaluated: 2018-01-13. Review status: criteria provided, single submitter. Criteria: ICSL Variant Classification Criteria 13 December 2019. Collection method: clinical testing. Allele origin: germline.
Comment: This variant was observed in the ICSL laboratory as part of a predisposition screen in an ostensibly healthy population. It had not been previously curated by ICSL or reported in the Human Gene Mutation Database (HGMD: prior to June 1st, 2018), and was therefore a candidate for classification through an automated scoring system. Utilizing variant allele frequency, disease prevalence and penetrance estimates, and inheritance mode, an automated score was calculated to assess if this variant is too frequent to cause the disease. Based on the score and internal cut-off values, a variant classified as benign is not then subjected to further curation. The score for this variant resulted in a classification of benign for this disease.

Breakthrough Genomics
Classification: Benign. Review status: criteria provided, single submitter. Criteria: ACMG Guidelines, 2015. Collection method: not provided. Allele origin: germline. Inheritance: Autosomal recessive inheritance. Affected: yes.

Dr. Peter K. Rogan Lab, Western University
No classification provided (evidence only). Condition: Ovarian serous cystadenocarcinoma. Review status: no classification provided. Collection method: in vitro. Allele origin: not applicable. Functional consequence: retained intron. Not counted in ClinVar's aggregate classification.

Dr. Peter K. Rogan Lab, Western University
No classification provided (evidence only). Condition: Ovarian serous cystadenocarcinoma. Review status: no classification provided. Collection method: in vitro. Allele origin: not applicable. Functional consequence: retained intron. Not counted in ClinVar's aggregate classification.

Dr. Peter K. Rogan Lab, Western University
No classification provided (evidence only). Condition: Ovarian serous cystadenocarcinoma. Review status: no classification provided. Collection method: in vitro. Allele origin: not applicable. Functional consequence: retained intron. Not counted in ClinVar's aggregate classification.